The following is an entry in ClinVar:

NM_000642.3(AGL):c.4583C>T (p.Thr1528Ile)

Gene: AGL (amylo-alpha-1,6-glucosidase and 4-alpha-glucanotransferase; plus strand). Cytogenetic location: 1p21.2.
Variant type: single nucleotide variant.
Coding change: c.4583C>T on transcript NM_000642.3 (MANE Select); coding-DNA position 4583, C replaced by T.
Protein change: p.Thr1528Ile; replaces threonine 1528 with isoleucine.
Molecular consequence: missense variant.
Genome position (GRCh38, 1-based): chr1:99,921,635, C>T. VCF-style: chr1-99921635-C-T. GRCh37 (hg19) VCF-style: chr1-100387191-C-T.
Other names: c.4583C>T, p.Thr1528Ile (NM_000028.3, NM_000643.3, NM_000644.3 and 1 more transcripts); c.4535C>T, p.Thr1512Ile (NM_000646.3); c.4562C>T, p.Thr1521Ile (NM_001425326.1); c.4382C>T, p.Thr1461Ile (NM_001425327.1); c.4379C>T, p.Thr1460Ile (NM_001425328.1); c.4244C>T, p.Thr1415Ile (NM_001425329.1); c.4205C>T, p.Thr1402Ile (NM_001425332.1); short protein forms T1512I, T1528I, T1402I, T1415I, T1460I, T1461I, T1521I.
Identifiers: ClinVar variation 934623 (VCV000934623.8), dbSNP rs769116515, ClinGen allele CA967477.

ClinVar aggregate classification (germline): Uncertain significance. Review status: criteria provided, single submitter (1 of 4 stars). 2 submissions from 2 submitters: Uncertain significance (1). 1 of the submissions does not count toward it. Last evaluated 2022-08-15.

Conditions:
Glycogen storage disease type III (GSD3). Also called: Cori disease; FORBES DISEASE. Identifiers: Orphanet 366, MedGen C0017922, MONDO:0009291, OMIM 232400.

Allele frequency attached by ClinVar (database versions not stated): TOPMed below 0.00001; ExAC 0.00001; gnomAD exomes 0.00001.
gnomAD v4.1: 8 of 1,606,770 alleles (0.0005%); highest among the groups gnomAD compares: East Asian, 0.013%; no homozygotes.

Submissions (2):

Labcorp Genetics (formerly Invitae), Labcorp
Classification: Uncertain significance for Glycogen storage disease type III. Last evaluated: 2022-08-15. Review status: criteria provided, single submitter. Criteria: Invitae Variant Classification Sherloc (09022015). Collection method: clinical testing. Allele origin: germline.
Comment: This sequence change replaces threonine, which is neutral and polar, with isoleucine, which is neutral and non-polar, at codon 1528 of the AGL protein (p.Thr1528Ile). This variant is present in population databases (rs769116515, gnomAD 0.01%). This variant has not been reported in the literature in individuals affected with AGL-related conditions. ClinVar contains an entry for this variant (Variation ID: 934623). Algorithms developed to predict the effect of missense changes on protein structure and function output the following: SIFT: "Tolerated"; PolyPhen-2: "Benign"; Align-GVGD: "Class C0". The isoleucine amino acid residue is found in multiple mammalian species, which suggests that this missense change does not adversely affect protein function. In summary, the available evidence is currently insufficient to determine the role of this variant in disease. Therefore, it has been classified as a Variant of Uncertain Significance.

Natera, Inc.
Classification: Uncertain significance for Glycogen storage disease type III. Last evaluated: 2021-03-17. Review status: no assertion criteria provided. Collection method: clinical testing. Allele origin: germline. Not counted in ClinVar's aggregate classification.